The following is an entry in ClinVar:

NM_032043.3(BRIP1):c.1826C>T (p.Thr609Ile)

Gene: BRIP1 (BRCA1 interacting DNA helicase 1; minus strand). Cytogenetic location: 17q23.2.
Variant type: single nucleotide variant.
Coding change: c.1826C>T on transcript NM_032043.3 (MANE Select); coding-DNA position 1826, C replaced by T.
Protein change: p.Thr609Ile; replaces threonine 609 with isoleucine.
Molecular consequence: missense variant.
Genome position (GRCh38, 1-based): chr17:61,780,370, G>A on the plus strand (C>T on the coding strand, the complement: BRIP1 is on the minus strand). VCF-style: chr17-61780370-G-A. GRCh37 (hg19) VCF-style: chr17-59857731-G-A.
Other names: short protein forms T609I.
Identifiers: ClinVar variation 2952416 (VCV002952416.3), dbSNP rs2077597651, ClinGen allele CA400480163.
Genomic context (GRCh38, chr17:61,780,370, plus strand): 5'-ACACCAAGTTCTGACGAAAAGGATTTCATTGGTGATAATGTACCAGATGTCAAAACAATG[G>A]TCTGAACTTTGCCATTAATATCTGAAAAGGCCTAAAAGAAAACAACATTAGATAAATAAA-3'
Protein context (NP_114432.2, residues 599-619): AFSDINGKVQ[Thr609Ile]IVLTSGTLSP

ClinVar aggregate classification (germline): Uncertain significance (1 of 4 stars; one submission).

Conditions:
Familial cancer of breast. Also called: BREAST CANCER, FAMILIAL; hereditary breast carcinoma; Hereditary breast cancer. Identifiers: Orphanet 227535, MedGen C0346153, MONDO:0016419, OMIM 114480. Disease mechanism: loss of function.
Fanconi anemia complementation group J. Also called: BRIP1-Related Fanconi Anemia. Identifiers: Orphanet 84, MedGen C1836860, MONDO:0012187, OMIM 609054.

Submission:

Labcorp Genetics (formerly Invitae), Labcorp
Classification: Uncertain significance for Familial cancer of breast; Fanconi anemia complementation group J. Last evaluated: 2023-10-03. Review status: criteria provided, single submitter. Criteria: Invitae Variant Classification Sherloc (09022015). Collection method: clinical testing. Allele origin: germline.
Comment: This sequence change replaces threonine, which is neutral and polar, with isoleucine, which is neutral and non-polar, at codon 609 of the BRIP1 protein (p.Thr609Ile). This variant is not present in population databases (gnomAD no frequency). This variant has not been reported in the literature in individuals affected with BRIP1-related conditions. Advanced modeling of protein sequence and biophysical properties (such as structural, functional, and spatial information, amino acid conservation, physicochemical variation, residue mobility, and thermodynamic stability) performed at Invitae indicates that this missense variant is not expected to disrupt BRIP1 protein function. In summary, the available evidence is currently insufficient to determine the role of this variant in disease. Therefore, it has been classified as a Variant of Uncertain Significance.